The following is an entry in ClinVar:

ClinVar aggregate classification (germline): Uncertain significance (1 of 4 stars; one submission).

Allele frequency attached by ClinVar (database versions not stated): gnomAD exomes below 0.00001.
gnomAD v4.1: 1 of 1,613,986 alleles (0.000062%); highest among the groups gnomAD compares: Admixed American, 0.0017%; no homozygotes.

Submission:

Labcorp Genetics (formerly Invitae), Labcorp
Classification: Uncertain significance. Last evaluated: 2022-02-11. Review status: criteria provided, single submitter. Criteria: Invitae Variant Classification Sherloc (09022015). Collection method: clinical testing. Allele origin: germline.
Comment: This sequence change replaces arginine, which is basic and polar, with glycine, which is neutral and non-polar, at codon 1384 of the BAZ2B protein (p.Arg1384Gly). In summary, the available evidence is currently insufficient to determine the role of this variant in disease. Therefore, it has been classified as a Variant of Uncertain Significance. Algorithms developed to predict the effect of missense changes on protein structure and function (SIFT, PolyPhen-2, Align-GVGD) all suggest that this variant is likely to be disruptive. This variant has not been reported in the literature in individuals affected with BAZ2B-related conditions. This variant is not present in population databases (gnomAD no frequency).

NM_013450.4(BAZ2B):c.4150C>G (p.Arg1384Gly)

Gene: BAZ2B (bromodomain adjacent to zinc finger domain 2B; minus strand). Cytogenetic location: 2q24.2.
Variant type: single nucleotide variant.
Coding change: c.4150C>G on transcript NM_013450.4 (MANE Select); coding-DNA position 4150, C replaced by G.
Protein change: p.Arg1384Gly; replaces arginine 1384 with glycine.
Molecular consequence: missense variant.
Genome position (GRCh38, 1-based): chr2:159,373,108, G>C on the plus strand (C>G on the coding strand, the complement: BAZ2B is on the minus strand). VCF-style: chr2-159373108-G-C. GRCh37 (hg19) VCF-style: chr2-160229619-G-C.
Other names: c.4042C>G, p.Arg1348Gly (NM_001289975.1); c.3988C>G, p.Arg1330Gly (NM_001329857.2); c.4075C>G, p.Arg1359Gly (NM_001329858.2); short protein forms R1330G, R1348G, R1384G, R1359G.
Identifiers: ClinVar variation 2096762 (VCV002096762.4), dbSNP rs370634481, ClinGen allele CA348932200.
Genomic context (GRCh38, chr2:159,373,108, plus strand): 5'-CACCACTCTCCATGCCTTCTACAAAAATCCCCCCACATTGGGGAAGAATCCAGTACCGGC[G>C]TCTGTAACGATCTTGGCCAAACATCACTGAACGCAATGAGTGAGACGCATCAAAGAGCTT-3'
Protein context (NP_038478.2, residues 1374-1394): SVMFGQDRYR[Arg1384Gly]RYWILPQCGG